The following is an entry in ClinVar:

ClinVar aggregate classification (germline): Likely pathogenic (1 of 4 stars; one submission).

Conditions:
Hereditary cancer-predisposing syndrome. Also called: Neoplastic Syndromes, Hereditary; Tumor predisposition; Hereditary Cancer Syndrome; Hereditary neoplastic syndrome. Identifiers: Orphanet 140162, MedGen C0027672, MeSH D009386, MONDO:0015356.

Allele frequency attached by ClinVar (database versions not stated): gnomAD exomes below 0.00001.
gnomAD v4.1: 1 of 1,612,328 alleles (0.000062%); highest among the groups gnomAD compares: African/African-American, 0.0013%; no homozygotes.

Submission:

Ambry Genetics
Classification: Likely pathogenic for Hereditary cancer-predisposing syndrome. Last evaluated: 2024-05-10. Review status: criteria provided, single submitter. Criteria: Ambry Variant Classification Scheme 2023. Collection method: clinical testing. Allele origin: germline.
Comment: The c.668-3C>A intronic variant results from a C to A substitution 3 nucleotides upstream from coding exon 8 in the RAD51D gene. This nucleotide position is well conserved in available vertebrate species. In silico splice site analysis predicts that this alteration may weaken the native splice acceptor site. RNA studies have demonstrated that this alteration results in abnormal splicing in the set of samples tested (Ambry internal data). This variant is considered to be rare based on population cohorts in the Genome Aggregation Database (gnomAD). Based on the majority of available evidence to date, this variant is likely to be pathogenic.

NM_002878.4(RAD51D):c.668-3C>A

Genes: RAD51L3-RFFL (RAD51L3-RFFL readthrough; minus strand), RAD51D (RAD51 paralog D; minus strand). Cytogenetic location: 17q12.
Variant type: single nucleotide variant.
Coding change: c.668-3C>A on transcript NM_002878.4 (MANE Select); 3 bases into the intron before coding-DNA position 668, C replaced by A.
Molecular consequence: intron variant.
Genome position (GRCh38, 1-based): chr17:35,103,327, G>T on the plus strand (C>A on the coding strand, the complement: RAD51D is on the minus strand). VCF-style: chr17-35103327-G-T. GRCh37 (hg19) VCF-style: chr17-33430346-G-T.
Other names: c.332-3C>A (NM_133629.3); c.728-3C>A (NM_001142571.2).
Identifiers: ClinVar variation 1754864 (VCV001754864.3), dbSNP rs2142418884, ClinGen allele CA2580093469.